The following is an entry in ClinVar:

NM_032578.4(MYPN):c.3920A>G (p.Tyr1307Cys)

Gene: MYPN (myopalladin; plus strand). Cytogenetic location: 10q21.3.
Variant type: single nucleotide variant.
Coding change: c.3920A>G on transcript NM_032578.4 (MANE Select); coding-DNA position 3920, A replaced by G.
Protein change: p.Tyr1307Cys; replaces tyrosine 1307 with cysteine.
Molecular consequence: missense variant. On other transcripts: non-coding transcript variant (2).
Genome position (GRCh38, 1-based): chr10:68,210,412, A>G. VCF-style: chr10-68210412-A-G. GRCh37 (hg19) VCF-style: chr10-69970169-A-G.
Other names: c.3920A>G, p.Tyr1307Cys (NM_001256267.2); c.3038A>G, p.Tyr1013Cys (NM_001256268.2); short protein forms Y1013C, Y1307C.
Identifiers: ClinVar variation 1353287 (VCV001353287.6), dbSNP rs2134357583, ClinGen allele CA376830375.

ClinVar aggregate classification (germline): Uncertain significance (1 of 4 stars; one submission).

Conditions:
Dilated cardiomyopathy 1KK (CMD1KK). Identifiers: Orphanet 154, Orphanet 75249, MedGen C3714995, MONDO:0014100, OMIM 615248.

Submission:

Labcorp Genetics (formerly Invitae), Labcorp
Classification: Uncertain significance for Dilated cardiomyopathy 1KK. Last evaluated: 2021-11-24. Review status: criteria provided, single submitter. Criteria: Invitae Variant Classification Sherloc (09022015). Collection method: clinical testing. Allele origin: germline.
Comment: In summary, the available evidence is currently insufficient to determine the role of this variant in disease. Therefore, it has been classified as a Variant of Uncertain Significance. Algorithms developed to predict the effect of missense changes on protein structure and function are either unavailable or do not agree on the potential impact of this missense change (SIFT: "Deleterious"; PolyPhen-2: "Possibly Damaging"; Align-GVGD: "Class C0"). This variant has not been reported in the literature in individuals affected with MYPN-related conditions. This variant is not present in population databases (gnomAD no frequency). This sequence change replaces tyrosine, which is neutral and polar, with cysteine, which is neutral and slightly polar, at codon 1307 of the MYPN protein (p.Tyr1307Cys).